The following is an entry in ClinVar:

NM_000535.7(PMS2):c.68_69del (p.Val23fs)

Gene: PMS2 (PMS1 homolog 2, mismatch repair system component; minus strand). Cytogenetic location: 7p22.1.
Variant type: Deletion.
Coding change: c.68_69del on transcript NM_000535.7 (MANE Select); coding-DNA positions 68 to 69, 2 bases deleted (TC; older notation c.68_69delTC).
Protein change: p.Val23fs; shifts the reading frame from valine 23.
Molecular consequence: frameshift variant. On other transcripts: 5 prime UTR variant (38), non-coding transcript variant (1), intron variant (7).
Genome position (GRCh38, 1-based): chr7:6,005,986-6,005,987, GA deleted on the plus strand (TC on the coding strand, the reverse complement: PMS2 is on the minus strand). VCF-style (leftmost placement, unchanged base first): chr7-6005985-GGA-G. GRCh37 (hg19) VCF-style: chr7-6045616-GGA-G.
Other names: c.-338_-337delTC (NM_001018040.1); c.-338_-337del (NM_001322003.2, NM_001322005.2, NM_001322009.2 and 10 more transcripts); c.68_69del, p.Val23fs (NM_001322006.2, NM_001322014.2, NM_001406868.1 and 10 more transcripts); c.-148_-147del (NM_001322007.2, NM_001406876.1, NM_001406883.1 and 4 more transcripts); c.-817_-816del (NM_001322011.2, NM_001322012.2); c.-417_-416del (NM_001322015.2, NM_001406875.1, NM_001406877.1 and 2 more transcripts); c.254_255del, p.Val85fs (NM_001406866.1); c.-364_-363del (NM_001406880.1); and 8 more; short protein forms V23fs, V85fs.
Identifiers: ClinVar variation 2674274 (VCV002674274.1), dbSNP rs2536590213, ClinGen allele CA2695198455.

ClinVar aggregate classification (germline): Pathogenic (1 of 4 stars; one submission).

Conditions:
Lynch syndrome 4 (LYNCH4). Also called: Hereditary non-polyposis colorectal cancer, type 4; Colorectal cancer, hereditary nonpolyposis, type 4. Identifiers: Orphanet 144, MedGen C1838333, MONDO:0013699, OMIM 614337. Disease mechanism: loss of function.

Submission:

Myriad Genetics, Inc.
Classification: Pathogenic for Lynch syndrome 4. Last evaluated: 2023-09-18. Review status: criteria provided, single submitter. Criteria: Myriad Autosomal Dominant, Autosomal Recessive and X-Linked Classification Criteria (2023). Collection method: clinical testing. Allele origin: unknown.
Comment: This variant is considered pathogenic. This variant creates a frameshift predicted to result in premature protein truncation.